The following is an entry in ClinVar:

ClinVar aggregate classification (germline): Likely benign. Review status: criteria provided, multiple submitters, no conflicts (2 of 4 stars). 2 submissions from 2 submitters: Likely benign (2). Last evaluated 2024-03-30.

Conditions:
Hereditary cancer-predisposing syndrome. Also called: Hereditary neoplastic syndrome; Hereditary Cancer Syndrome; Neoplastic Syndromes, Hereditary; Tumor predisposition. Identifiers: Orphanet 140162, MedGen C0027672, MeSH D009386, MONDO:0015356.

Submissions (2):

Ambry Genetics
Classification: Likely benign for Hereditary cancer-predisposing syndrome. Last evaluated: 2024-03-30. Review status: criteria provided, single submitter. Criteria: Ambry Variant Classification Scheme 2023. Collection method: clinical testing. Allele origin: germline.

GeneDx
Classification: Likely benign. Last evaluated: 2017-05-22. Review status: criteria provided, single submitter. Criteria: GeneDx Variant Classification (06012015). Collection method: clinical testing. Allele origin: germline. Affected: yes.
Comment: This variant is considered likely benign or benign based on one or more of the following criteria: it is a conservative change, it occurs at a poorly conserved position in the protein, it is predicted to be benign by multiple in silico algorithms, and/or has population frequency not consistent with disease.

NM_000059.4(BRCA2):c.4653A>G (p.Gln1551=)

Gene: BRCA2 (BRCA2 DNA repair associated; plus strand). Cytogenetic location: 13q13.1.
Variant type: single nucleotide variant.
Coding change: c.4653A>G on transcript NM_000059.4 (MANE Select); coding-DNA position 4653, A replaced by G.
Protein change: p.Gln1551=; no amino-acid change (glutamine 1551 retained).
Molecular consequence: synonymous variant.
Genome position (GRCh38, 1-based): chr13:32,339,008, A>G. VCF-style: chr13-32339008-A-G. GRCh37 (hg19) VCF-style: chr13-32913145-A-G.
Identifiers: ClinVar variation 509677 (VCV000509677.2), dbSNP rs1555283888, ClinGen allele CA483438101.